The following is an entry in ClinVar:

ClinVar aggregate classification (germline): Uncertain significance (1 of 4 stars; one submission).

Submission:

Labcorp Genetics (formerly Invitae), Labcorp
Classification: Uncertain significance. Last evaluated: 2024-11-13. Review status: criteria provided, single submitter. Criteria: Invitae Variant Classification Sherloc (09022015). Collection method: clinical testing. Allele origin: germline.
Comment: This sequence change replaces glutamine, which is neutral and polar, with histidine, which is basic and polar, at codon 15 of the RAI1 protein (p.Gln15His). This variant is not present in population databases (gnomAD no frequency). This variant has not been reported in the literature in individuals affected with RAI1-related conditions. Invitae Evidence Modeling of protein sequence and biophysical properties (such as structural, functional, and spatial information, amino acid conservation, physicochemical variation, residue mobility, and thermodynamic stability) indicates that this missense variant is not expected to disrupt RAI1 protein function with a negative predictive value of 80%. In summary, the available evidence is currently insufficient to determine the role of this variant in disease. Therefore, it has been classified as a Variant of Uncertain Significance.

NM_030665.4(RAI1):c.45G>C (p.Gln15His)

Gene: RAI1 (retinoic acid induced 1; plus strand). Cytogenetic location: 17p11.2.
Variant type: single nucleotide variant.
Coding change: c.45G>C on transcript NM_030665.4 (MANE Select); coding-DNA position 45, G replaced by C.
Protein change: p.Gln15His; replaces glutamine 15 with histidine.
Molecular consequence: missense variant.
Genome position (GRCh38, 1-based): chr17:17,792,993, G>C. VCF-style: chr17-17792993-G-C. GRCh37 (hg19) VCF-style: chr17-17696307-G-C.
Other names: short protein forms Q15H.
Identifiers: ClinVar variation 3666483 (VCV003666483.2).